The following is an entry in ClinVar:

ClinVar aggregate classification (germline): Uncertain significance (1 of 4 stars; one submission).

Submission:

Ambry Genetics
Classification: Uncertain significance. Last evaluated: 2025-03-05. Review status: criteria provided, single submitter. Criteria: Ambry Variant Classification Scheme 2023. Collection method: clinical testing. Allele origin: germline.
Comment: The p.A1310V variant (also known as c.3929C>T), located in coding exon 14 of the CDK12 gene, results from a C to T substitution at nucleotide position 3929. The alanine at codon 1310 is replaced by valine, an amino acid with similar properties. This amino acid position is conserved. In addition, this alteration is predicted to be tolerated by in silico analysis. Based on the available evidence, the clinical significance of this variant remains unclear.

NM_016507.4(CDK12):c.3929C>T (p.Ala1310Val)

Gene: CDK12 (cyclin dependent kinase 12; plus strand). Cytogenetic location: 17q12.
Variant type: single nucleotide variant.
Coding change: c.3929C>T on transcript NM_016507.4 (MANE Select); coding-DNA position 3929, C replaced by T.
Protein change: p.Ala1310Val; replaces alanine 1310 with valine.
Molecular consequence: missense variant.
Genome position (GRCh38, 1-based): chr17:39,530,772, C>T. VCF-style: chr17-39530772-C-T. GRCh37 (hg19) VCF-style: chr17-37687025-C-T.
Other names: c.3902C>T, p.Ala1301Val (NM_015083.4); short protein forms A1301V, A1310V.
Identifiers: ClinVar variation 3830751 (VCV003830751.1).